The following is an entry in ClinVar:

NM_017662.5(TRPM6):c.1435T>C (p.Tyr479His)

Gene: TRPM6 (transient receptor potential cation channel subfamily M member 6; minus strand). Cytogenetic location: 9q21.13.
Variant type: single nucleotide variant.
Coding change: c.1435T>C on transcript NM_017662.5 (MANE Select); coding-DNA position 1435, T replaced by C.
Protein change: p.Tyr479His; replaces tyrosine 479 with histidine.
Molecular consequence: missense variant.
Genome position (GRCh38, 1-based): chr9:74,812,307, A>G on the plus strand (T>C on the coding strand, the complement: TRPM6 is on the minus strand). VCF-style: chr9-74812307-A-G. GRCh37 (hg19) VCF-style: chr9-77427223-A-G.
Other names: c.1420T>C, p.Tyr474His (NM_001177310.2, NM_001177311.2); short protein forms Y474H, Y479H.
Identifiers: ClinVar variation 2016339 (VCV002016339.4), dbSNP rs2490055020, ClinGen allele CA373691091.

ClinVar aggregate classification (germline): Uncertain significance (1 of 4 stars; one submission).

Submission:

Labcorp Genetics (formerly Invitae), Labcorp
Classification: Uncertain significance. Last evaluated: 2022-07-12. Review status: criteria provided, single submitter. Criteria: Invitae Variant Classification Sherloc (09022015). Collection method: clinical testing. Allele origin: germline.
Comment: This sequence change replaces tyrosine, which is neutral and polar, with histidine, which is basic and polar, at codon 479 of the TRPM6 protein (p.Tyr479His). This variant is not present in population databases (gnomAD no frequency). This variant has not been reported in the literature in individuals affected with TRPM6-related conditions. Algorithms developed to predict the effect of missense changes on protein structure and function are either unavailable or do not agree on the potential impact of this missense change (SIFT: "Deleterious"; PolyPhen-2: "Probably Damaging"; Align-GVGD: "Class C0"). In summary, the available evidence is currently insufficient to determine the role of this variant in disease. Therefore, it has been classified as a Variant of Uncertain Significance.